The following is an entry in ClinVar:

NM_001206626.2(TRIM49B):c.414G>A (p.Glu138=)

Gene: TRIM49B (tripartite motif containing 49B; plus strand). Cytogenetic location: 11p11.12.
Variant type: single nucleotide variant.
Coding change: c.414G>A on transcript NM_001206626.2 (MANE Select); coding-DNA position 414, G replaced by A.
Protein change: p.Glu138=; no amino-acid change (glutamic acid 138 retained).
Molecular consequence: synonymous variant.
Genome position (GRCh38, 1-based): chr11:49,032,278, G>A. VCF-style: chr11-49032278-G-A. GRCh37 (hg19) VCF-style: chr11-49053830-G-A.
Identifiers: ClinVar variation 2641777 (VCV002641777.24), dbSNP rs200710085, ClinGen allele CA5985987.

ClinVar aggregate classification (germline): Likely benign (1 of 4 stars; one submission).

Allele frequency attached by ClinVar (database versions not stated): 1000 Genomes Project 30x 0.00172; 1000 Genomes Project 0.00220; gnomAD 0.00552; TOPMed 0.00628; ExAC 0.00672.
gnomAD v4.1: 10,745 of 1,612,798 alleles (0.67%); highest among the groups gnomAD compares: Middle Eastern, 0.69%; 100 homozygotes.

Submission:

CeGaT Center for Human Genetics Tuebingen
Classification: Likely benign. Last evaluated: 2023-02-01. Review status: criteria provided, single submitter. Criteria: CeGaT Center For Human Genetics Tuebingen Variant Classification Criteria Version 2. Collection method: clinical testing. Allele origin: germline. Affected: yes. Observed: 1 variant allele.
Comment: TRIM49B: BP4, BP7, BS2